The following is an entry in ClinVar:

NM_001348716.2(KDM6B):c.4737+5G>A

Gene: KDM6B (lysine demethylase 6B; plus strand). Cytogenetic location: 17p13.1.
Variant type: single nucleotide variant.
Coding change: c.4737+5G>A on transcript NM_001348716.2 (MANE Select); 5 bases into the intron after coding-DNA position 4737, G replaced by A.
Molecular consequence: intron variant.
Genome position (GRCh38, 1-based): chr17:7,853,131, G>A. VCF-style: chr17-7853131-G-A. GRCh37 (hg19) VCF-style: chr17-7756449-G-A.
Other names: c.4737+5G>A (NM_001080424.2).
Identifiers: ClinVar variation 2686035 (VCV002686035.2), dbSNP rs2544536389, ClinGen allele CA2697559378.
Genomic context (GRCh38, chr17:7,853,131, plus strand): 5'-TCGCTTACCAGGGCCGTGTCAAGGACGAGCCAGCCTACTACTGCAACGAGTGCGATGTGA[G>A]TGGGCCGGCTCTGCTGCTCTCCCTGAGTGTCCACAGTGGCCCTCCCTCCCCCTGACTGCA-3'

ClinVar aggregate classification (germline): Pathogenic (1 of 4 stars; one submission).

Conditions:
Neurodevelopmental disorder with coarse facies and mild distal skeletal abnormalities. Also called: STOLERMAN NEURODEVELOPMENTAL SYNDROME. Identifiers: MedGen C5193134, MONDO:0032790, OMIM 618505.

Submission:

Institute of Human Genetics, University of Goettingen
Classification: Pathogenic for Neurodevelopmental disorder with coarse facies and mild distal skeletal abnormalities. Last evaluated: 2022-01-31. Review status: criteria provided, single submitter. Criteria: ACMG Guidelines, 2015. Collection method: clinical testing. Allele origin: de novo. Inheritance: Autosomal dominant inheritance. Affected: yes. Observed: 1 heterozygote.
Comment: The c.4737+5G>A variant in KDM6B has not been reported before.